The following is an entry in ClinVar:

NM_000702.4(ATP1A2):c.2619C>G (p.Asn873Lys)

Gene: ATP1A2 (ATPase Na+/K+ transporting subunit alpha 2; plus strand). Cytogenetic location: 1q23.2.
Variant type: single nucleotide variant.
Coding change: c.2619C>G on transcript NM_000702.4 (MANE Select); coding-DNA position 2619, C replaced by G.
Protein change: p.Asn873Lys; replaces asparagine 873 with lysine.
Molecular consequence: missense variant.
Genome position (GRCh38, 1-based): chr1:160,136,625, C>G. VCF-style: chr1-160136625-C-G. GRCh37 (hg19) VCF-style: chr1-160106415-C-G.
Other names: short protein forms N873K.
Identifiers: ClinVar variation 1947511 (VCV001947511.6), dbSNP rs150835011, ClinGen allele CA343252013.

ClinVar aggregate classification (germline): Uncertain significance. Review status: criteria provided, multiple submitters, no conflicts (2 of 4 stars). 2 submissions from 2 submitters: Uncertain significance (2). Last evaluated 2026-03-10.

Conditions:
Familial hemiplegic migraine. Identifiers: MedGen C0338484, MONDO:0000700.

gnomAD v4.1: 17 of 1,614,228 alleles (0.0011%); highest among the groups gnomAD compares: Non-Finnish European, 0.0014%; no homozygotes.

Submissions (2):

GeneDx
Classification: Uncertain significance. Last evaluated: 2026-03-10. Review status: criteria provided, single submitter. Criteria: GeneDx Variant Classification Process June 2021. Collection method: clinical testing. Allele origin: germline.
Comment: Not observed at significant frequency in large population cohorts (gnomAD); In silico analysis supports that this missense variant has a deleterious effect on protein structure/function; Has not been previously published as pathogenic or benign to our knowledge

Labcorp Genetics (formerly Invitae), Labcorp
Classification: Uncertain significance for Familial hemiplegic migraine. Last evaluated: 2024-09-30. Review status: criteria provided, single submitter. Criteria: Invitae Variant Classification Sherloc (09022015). Collection method: clinical testing. Allele origin: germline.
Comment: This sequence change replaces asparagine, which is neutral and polar, with lysine, which is basic and polar, at codon 873 of the ATP1A2 protein (p.Asn873Lys). This variant is not present in population databases (gnomAD no frequency). This variant has not been reported in the literature in individuals affected with ATP1A2-related conditions. ClinVar contains an entry for this variant (Variation ID: 1947511). Invitae Evidence Modeling of protein sequence and biophysical properties (such as structural, functional, and spatial information, amino acid conservation, physicochemical variation, residue mobility, and thermodynamic stability) has been performed for this missense variant. However, the output from this modeling did not meet the statistical confidence thresholds required to predict the impact of this variant on ATP1A2 protein function. In summary, the available evidence is currently insufficient to determine the role of this variant in disease. Therefore, it has been classified as a Variant of Uncertain Significance.